The following is an entry in ClinVar:

ClinVar aggregate classification (germline): Uncertain significance (1 of 4 stars; one submission).

Submission:

Labcorp Genetics (formerly Invitae), Labcorp
Classification: Uncertain significance. Last evaluated: 2023-05-09. Review status: criteria provided, single submitter. Criteria: Invitae Variant Classification Sherloc (09022015). Collection method: clinical testing. Allele origin: germline.
Comment: This variant is not present in population databases (gnomAD no frequency). This variant, c.1792_1845del, results in the deletion of 18 amino acid(s) of the KRT1 protein (p.Ser598_Gly615del), but otherwise preserves the integrity of the reading frame. This variant has not been reported in the literature in individuals affected with KRT1-related conditions. In summary, the available evidence is currently insufficient to determine the role of this variant in disease. Therefore, it has been classified as a Variant of Uncertain Significance.

NM_006121.4(KRT1):c.1792_1845del (p.Ser598_Gly615del)

Gene: KRT1 (keratin 1; minus strand). Cytogenetic location: 12q13.13.
Variant type: Deletion.
Coding change: c.1792_1845del on transcript NM_006121.4 (MANE Select); coding-DNA positions 1792 to 1845, 54 bases deleted.
Protein change: p.Ser598_Gly615del.
Molecular consequence: inframe deletion.
Genome position (GRCh38, 1-based): chr12:52,675,283-52,675,336, 54 bases deleted. GRCh37 (hg19): chr12:53,069,070-53,069,123.
Identifiers: ClinVar variation 2893084 (VCV002893084.3), dbSNP rs1941482102, ClinGen allele CA2036619015.